The following is an entry in ClinVar:

ClinVar aggregate classification (germline): Conflicting classifications of pathogenicity. Review status: criteria provided, conflicting classifications (1 of 4 stars). 5 submissions from 5 submitters: Uncertain significance (4); Likely benign (1). Last evaluated 2026-08-14.

Conditions:
PTCHD1-related disorder. Also called: PTCHD1-related condition.
Inborn genetic diseases. Identifiers: MedGen C0950123, MeSH D030342.
Autism, susceptibility to, X-linked 4 (AUTSX4). Identifiers: MedGen C0795888, MONDO:0010440, OMIM 300830.

Allele frequency attached by ClinVar (database versions not stated): gnomAD exomes below 0.00001 and 0.00001; gnomAD 0.00002; TOPMed 0.00008.
gnomAD v4.1: 10 of 1,208,788 alleles (0.00083%); highest among the groups gnomAD compares: South Asian, 0.0053%; no homozygotes.

Submissions (5):

PreventionGenetics, part of Exact Sciences
Classification: Uncertain significance for PTCHD1-related condition. Last evaluated: 2026-08-14. Review status: criteria provided, single submitter. Criteria: ACMG Guidelines, 2015. Collection method: clinical testing. Allele origin: germline.
Comment: The PTCHD1 c.491G>A variant is predicted to result in the amino acid substitution p.Arg164Gln. To our knowledge, this variant has not been reported in the literature. This variant is reported in 0.0052% of alleles in individuals of South Asian descent in gnomAD. At this time, the clinical significance of this variant is uncertain due to the absence of conclusive functional and genetic evidence.

Ambry Genetics
Classification: Uncertain significance for Inborn genetic diseases. Last evaluated: 2024-06-17. Review status: criteria provided, single submitter. Criteria: Ambry Variant Classification Scheme 2023. Collection method: clinical testing. Allele origin: germline.

Revvity Omics, Revvity
Classification: Uncertain significance. Last evaluated: 2023-11-08. Review status: criteria provided, single submitter. Criteria: ACMG Guidelines, 2015. Collection method: clinical testing. Allele origin: germline.

Illumina Laboratory Services, Illumina
Classification: Uncertain significance for Autism, susceptibility to, X-linked 4. Last evaluated: 2023-10-12. Review status: criteria provided, single submitter. Criteria: ISL SNV Classification Criteria 03 February 2026. Collection method: clinical testing. Allele origin: unknown.
Comment: The PTCHD1 c.491G>A, p.(Arg164Gln) missense variant has not, to our knowledge, been reported in the peer-reviewed literature. The highest frequency of this allele in the Genome Aggregation Database is 0.000052 in the South Asian population, which includes one hemizygote (version 2.1.1). The Arg164 residue is present in the first extracellular loop and has been shown to segregate with disease in three affected brothers in this family. Based on the available evidence, the c.491G>A, p.(Arg164Gln) variant is classified as a variant of uncertain significance for PTCHD1-related neurodevelopmental disorder.

GeneDx
Classification: Likely benign. Last evaluated: 2020-10-27. Review status: criteria provided, single submitter. Criteria: GeneDx Variant Classification Process June 2021. Collection method: clinical testing. Allele origin: germline. Affected: yes.

NM_173495.3(PTCHD1):c.491G>A (p.Arg164Gln)

Gene: PTCHD1 (patched domain containing 1; plus strand). Cytogenetic location: Xp22.11.
Variant type: single nucleotide variant.
Coding change: c.491G>A on transcript NM_173495.3 (MANE Select); coding-DNA position 491, G replaced by A.
Protein change: p.Arg164Gln; replaces arginine 164 with glutamine.
Molecular consequence: missense variant.
Genome position (GRCh38, 1-based): chrX:23,379,730, G>A. VCF-style: chrX-23379730-G-A. GRCh37 (hg19) VCF-style: chrX-23397847-G-A.
Other names: short protein forms R164Q.
Identifiers: ClinVar variation 1215751 (VCV001215751.8), dbSNP rs908889815, ClinGen allele CA327633875.
Genomic context (GRCh38, chrX:23,379,730, plus strand): 5'-ATGATAAGACTTGCATCGTGGATGACATAGTGCACGTCCTGGAAGAGCTAAAGAATGCTC[G>A]GGCCACCAATCGGACCAATTTTGCTATCACATACCCAATCACTCACTTAAAGGACGGGAG-3'
Protein context (NP_775766.2, residues 154-174): VHVLEELKNA[Arg164Gln]ATNRTNFAIT